The following is an entry in ClinVar:

ClinVar aggregate classification (germline): Uncertain significance (0 of 4 stars; one submission).

Conditions:
DYNC2H1-related disorder. Also called: DYNC2H1-related condition; DYNC2H1-related disorders. Identifiers: MedGen CN378770.

Submission:

PreventionGenetics, part of Exact Sciences
Classification: Uncertain significance for DYNC2H1-related condition. Last evaluated: 2023-11-05. Review status: no assertion criteria provided. Collection method: clinical testing. Allele origin: germline.
Comment: The DYNC2H1 c.4397T>C variant is predicted to result in the amino acid substitution p.Phe1466Ser. To our knowledge, this variant has not been reported in the literature or in a large population database, indicating this variant is rare. At this time, the clinical significance of this variant is uncertain due to the absence of conclusive functional and genetic evidence.

NM_001377.3(DYNC2H1):c.4397T>C (p.Phe1466Ser)

Gene: DYNC2H1 (dynein cytoplasmic 2 heavy chain 1; plus strand). Cytogenetic location: 11q22.3.
Variant type: single nucleotide variant.
Coding change: c.4397T>C on transcript NM_001377.3 (MANE Select); coding-DNA position 4397, T replaced by C.
Protein change: p.Phe1466Ser; replaces phenylalanine 1466 with serine.
Molecular consequence: missense variant.
Genome position (GRCh38, 1-based): chr11:103,160,950, T>C. VCF-style: chr11-103160950-T-C. GRCh37 (hg19) VCF-style: chr11-103031679-T-C.
Other names: c.4397T>C, p.Phe1466Ser (NM_001080463.2); short protein forms F1466S.
Identifiers: ClinVar variation 3029316 (VCV003029316.2), dbSNP rs2497086765, ClinGen allele CA382238798.